The following is an entry in ClinVar:

ClinVar aggregate classification (germline): Uncertain significance. Review status: criteria provided, multiple submitters, no conflicts (2 of 4 stars). 3 submissions from 3 submitters: Uncertain significance (3). Last evaluated 2024-06-07.

Conditions:
Hereditary cancer-predisposing syndrome. Also called: Tumor predisposition; Neoplastic Syndromes, Hereditary; Hereditary Cancer Syndrome; Hereditary neoplastic syndrome. Identifiers: Orphanet 140162, MedGen C0027672, MeSH D009386, MONDO:0015356.
Neuroblastoma, susceptibility to, 3. Also called: ALK-Related Neuroblastic Tumor Susceptibility. Identifiers: Orphanet 635, MedGen C2751681, MONDO:0013083, OMIM 613014.

Allele frequency attached by ClinVar (database versions not stated): gnomAD exomes below 0.00001.
gnomAD v4.1: 1 of 1,613,712 alleles (0.000062%); highest among the groups gnomAD compares: Admixed American, 0.0017%; no homozygotes.

Submissions (3):

Ambry Genetics
Classification: Uncertain significance for Hereditary cancer-predisposing syndrome. Last evaluated: 2024-06-07. Review status: criteria provided, single submitter. Criteria: Ambry Variant Classification Scheme 2023. Collection method: clinical testing. Allele origin: germline.
Comment: The p.I543T variant (also known as c.1628T>C), located in coding exon 8 of the ALK gene, results from a T to C substitution at nucleotide position 1628. The isoleucine at codon 543 is replaced by threonine, an amino acid with similar properties. This amino acid position is conserved. In addition, this alteration is predicted to be tolerated by in silico analysis. Since supporting evidence is limited at this time, the clinical significance of this alteration remains unclear.

Labcorp Genetics (formerly Invitae), Labcorp
Classification: Uncertain significance for Neuroblastoma, susceptibility to, 3. Last evaluated: 2024-06-04. Review status: criteria provided, single submitter. Criteria: Invitae Variant Classification Sherloc (09022015). Collection method: clinical testing. Allele origin: germline.
Comment: This sequence change replaces isoleucine, which is neutral and non-polar, with threonine, which is neutral and polar, at codon 543 of the ALK protein (p.Ile543Thr). This variant is not present in population databases (gnomAD no frequency). This variant has not been reported in the literature in individuals affected with ALK-related conditions. ClinVar contains an entry for this variant (Variation ID: 1776744). An algorithm developed to predict the effect of missense changes on protein structure and function (PolyPhen-2) suggests that this variant is likely to be tolerated. In summary, the available evidence is currently insufficient to determine the role of this variant in disease. Therefore, it has been classified as a Variant of Uncertain Significance.

Baylor Genetics
Classification: Uncertain significance for Neuroblastoma, susceptibility to, 3. Last evaluated: 2024-03-30. Review status: criteria provided, single submitter. Criteria: ACMG Guidelines, 2015. Collection method: clinical testing. Allele origin: unknown.

NM_004304.5(ALK):c.1628T>C (p.Ile543Thr)

Gene: ALK (ALK receptor tyrosine kinase; minus strand). Cytogenetic location: 2p23.2.
Variant type: single nucleotide variant.
Coding change: c.1628T>C on transcript NM_004304.5 (MANE Select); coding-DNA position 1628, T replaced by C.
Protein change: p.Ile543Thr; replaces isoleucine 543 with threonine.
Molecular consequence: missense variant.
Genome position (GRCh38, 1-based): chr2:29,318,323, A>G on the plus strand (T>C on the coding strand, the complement: ALK is on the minus strand). VCF-style: chr2-29318323-A-G. GRCh37 (hg19) VCF-style: chr2-29541189-A-G.
Other names: short protein forms I543T.
Identifiers: ClinVar variation 1776744 (VCV001776744.6), dbSNP rs1666893671, ClinGen allele CA346470913.